The following is an entry in ClinVar:

ClinVar aggregate classification (germline): Uncertain significance (1 of 4 stars; one submission).

Conditions:
Benign familial hematuria. Also called: thin basement membrane disease. Identifiers: MedGen C0241908, MONDO:0957317.

Submission:

Institute of Human Genetics, University of Leipzig Medical Center
Classification: Uncertain significance for Hematuria, benign familial, 1. Last evaluated: 2022-03-01. Review status: criteria provided, single submitter. Criteria: ACMG Guidelines, 2015. Collection method: clinical testing. Allele origin: unknown. Affected: yes.
Comment: _x000D_ Criteria applied: PM2_SUP, PP3, PP4

NM_000092.5(COL4A4):c.1099+5G>A

Gene: COL4A4 (collagen type IV alpha 4 chain; minus strand). Cytogenetic location: 2q36.3.
Variant type: single nucleotide variant.
Coding change: c.1099+5G>A on transcript NM_000092.5 (MANE Select); 5 bases into the intron after coding-DNA position 1099, G replaced by A.
Molecular consequence: intron variant.
Genome position (GRCh38, 1-based): chr2:227,099,615, C>T on the plus strand (G>A on the coding strand, the complement: COL4A4 is on the minus strand). VCF-style: chr2-227099615-C-T. GRCh37 (hg19) VCF-style: chr2-227964331-C-T.
Identifiers: ClinVar variation 1342910 (VCV001342910.1), dbSNP rs2150749299, ClinGen allele CA2573051875.